The following is an entry in ClinVar:

ClinVar aggregate classification (germline): Uncertain significance (1 of 4 stars; one submission).

Conditions:
Cardiovascular phenotype. Identifiers: MedGen CN230736.

Submission:

Ambry Genetics
Classification: Uncertain significance for Cardiovascular phenotype. Last evaluated: 2024-08-14. Review status: criteria provided, single submitter. Criteria: Ambry Variant Classification Scheme 2023. Collection method: clinical testing. Allele origin: germline.
Comment: The c.1880-5T>C intronic variant results from a T to C substitution 5 nucleotides upstream from coding exon 13 in the DSG2 gene. This nucleotide position is not well conserved in available vertebrate species. In silico splice site analysis predicts that this alteration will not have any significant effect on splicing. Based on the available evidence, the clinical significance of this variant remains unclear.

NM_001943.5(DSG2):c.1880-5T>C

Gene: DSG2 (desmoglein 2; plus strand). Cytogenetic location: 18q12.1.
Variant type: single nucleotide variant.
Coding change: c.1880-5T>C on transcript NM_001943.5 (MANE Select); 5 bases into the intron before coding-DNA position 1880, T replaced by C.
Molecular consequence: intron variant.
Genome position (GRCh38, 1-based): chr18:31,541,188, T>C. VCF-style: chr18-31541188-T-C. GRCh37 (hg19) VCF-style: chr18-29121151-T-C.
Identifiers: ClinVar variation 3505411 (VCV003505411.1).